The following is an entry in ClinVar:

ClinVar aggregate classification (germline): Uncertain significance. Review status: criteria provided, multiple submitters, no conflicts (2 of 4 stars). 2 submissions from 2 submitters: Uncertain significance (2). Last evaluated 2026-06-29.

Conditions:
CEP290-related disorder. Also called: CEP290-related condition; CEP290-related disorders. Identifiers: MedGen CN239314.

gnomAD v4.1: 5 of 1,541,336 alleles (0.00032%); highest among the groups gnomAD compares: African/African-American, 0.0069%; no homozygotes.

Submissions (2):

PreventionGenetics, part of Exact Sciences
Classification: Uncertain significance for CEP290-related condition. Last evaluated: 2026-06-29. Review status: criteria provided, single submitter. Criteria: ACMG Guidelines, 2015. Collection method: clinical testing. Allele origin: germline.
Comment: The CEP290 c.3977A>G variant is predicted to result in the amino acid substitution p.Lys1326Arg. To our knowledge, this variant has not been reported in the literature. This variant is reported in 0.011% of alleles in individuals of African descent in gnomAD. At this time, the clinical significance of this variant is uncertain due to the absence of conclusive functional and genetic evidence.

Blueprint Genetics
Classification: Uncertain significance. Last evaluated: 2024-06-11. Review status: criteria provided, single submitter. Criteria: ACMG Guidelines, 2015. Collection method: clinical testing. Allele origin: germline.

NM_025114.4(CEP290):c.3977A>G (p.Lys1326Arg)

Gene: CEP290 (centrosomal protein 290; minus strand). Cytogenetic location: 12q21.32.
Variant type: single nucleotide variant.
Coding change: c.3977A>G on transcript NM_025114.4 (MANE Select); coding-DNA position 3977, A replaced by G.
Protein change: p.Lys1326Arg; replaces lysine 1326 with arginine.
Molecular consequence: missense variant.
Genome position (GRCh38, 1-based): chr12:88,089,084, T>C on the plus strand (A>G on the coding strand, the complement: CEP290 is on the minus strand). VCF-style: chr12-88089084-T-C. GRCh37 (hg19) VCF-style: chr12-88482861-T-C.
Other names: c.3977A>G (NM_025114.3); short protein forms K1326R.
Identifiers: ClinVar variation 4917883 (VCV004917883.2).